The following is an entry in ClinVar:

NM_004006.3(DMD):c.5128C>A (p.Pro1710Thr)

Gene: DMD (dystrophin; minus strand). Cytogenetic location: Xp21.1.
Variant type: single nucleotide variant.
Coding change: c.5128C>A on transcript NM_004006.3 (MANE Select); coding-DNA position 5128, C replaced by A.
Protein change: p.Pro1710Thr; replaces proline 1710 with threonine.
Molecular consequence: missense variant.
Genome position (GRCh38, 1-based): chrX:32,364,608, G>T on the plus strand (C>A on the coding strand, the complement: DMD is on the minus strand). VCF-style: chrX-32364608-G-T. GRCh37 (hg19) VCF-style: chrX-32382725-G-T.
Other names: c.5104C>A, p.Pro1702Thr (NM_000109.4); c.5116C>A, p.Pro1706Thr (NM_004009.3); c.4759C>A, p.Pro1587Thr (NM_004010.3); c.1105C>A, p.Pro369Thr (NM_004011.4); c.1096C>A, p.Pro366Thr (NM_004012.4); short protein forms P1587T, P1702T, P1706T, P1710T, P366T, P369T.
Identifiers: ClinVar variation 2660246 (VCV002660246.24), dbSNP rs2522548864, ClinGen allele CA412671466.

ClinVar aggregate classification (germline): Uncertain significance (1 of 4 stars; one submission).

Submission:

CeGaT Center for Human Genetics Tuebingen
Classification: Uncertain significance. Last evaluated: 2022-05-01. Review status: criteria provided, single submitter. Criteria: CeGaT Center For Human Genetics Tuebingen Variant Classification Criteria Version 2. Collection method: clinical testing. Allele origin: germline. Affected: yes. Observed: 1 variant allele.
Comment: DMD: PM2, BP4